The following is an entry in ClinVar:

NM_003906.5(MCM3AP):c.5035G>C (p.Gly1679Arg)

Genes: MCM3AP (minichromosome maintenance complex component 3 associated protein; minus strand), MCM3AP-AS1 (MCM3AP antisense RNA 1; plus strand). Cytogenetic location: 21q22.3.
Variant type: single nucleotide variant.
Coding change: c.5035G>C on transcript NM_003906.5 (MANE Select); coding-DNA position 5035, G replaced by C.
Protein change: p.Gly1679Arg; replaces glycine 1679 with arginine.
Molecular consequence: missense variant.
Genome position (GRCh38, 1-based): chr21:46,244,810, C>G on the plus strand (G>C on the coding strand, the complement: MCM3AP is on the minus strand). VCF-style: chr21-46244810-C-G. GRCh37 (hg19) VCF-style: chr21-47664724-C-G.
Other names: c.5035G>C (NM_003906.3); short protein forms G1679R.
Identifiers: ClinVar variation 1517776 (VCV001517776.4), dbSNP rs766087751, ClinGen allele CA10075977.
Genomic context (GRCh38, chr21:46,244,810, plus strand): 5'-GGAAGCCTGAGACTTGGCTGCAGCCACCCACCAGACCTCCCCAGGTCAAGCACGTACCCC[C>G]CAGGGGTGGAAGGTCCATCTGCGGAAGCTGGAACCCGAGCACAGCCTGCTTCAGCCAGGC-3'
Protein context (NP_003897.2, residues 1669-1689): QLPQMDLPPL[Gly1679Arg]APWLPVCSMV

ClinVar aggregate classification (germline): Uncertain significance. Review status: criteria provided, multiple submitters, no conflicts (2 of 4 stars). 2 submissions from 2 submitters: Uncertain significance (2). Last evaluated 2024-12-03.

Conditions:
Inborn genetic diseases. Identifiers: MedGen C0950123, MeSH D030342.

Allele frequency attached by ClinVar (database versions not stated): gnomAD 0.00001; gnomAD exomes 0.00001 and 0.00002; TOPMed 0.00001; ExAC 0.00004.

Submissions (2):

Ambry Genetics
Classification: Uncertain significance for Inborn genetic diseases. Last evaluated: 2024-12-03. Review status: criteria provided, single submitter. Criteria: Ambry Variant Classification Scheme 2023. Collection method: clinical testing. Allele origin: germline.

Labcorp Genetics (formerly Invitae), Labcorp
Classification: Uncertain significance. Last evaluated: 2022-08-19. Review status: criteria provided, single submitter. Criteria: Invitae Variant Classification Sherloc (09022015). Collection method: clinical testing. Allele origin: germline.
Comment: This sequence change replaces glycine, which is neutral and non-polar, with arginine, which is basic and polar, at codon 1679 of the MCM3AP protein (p.Gly1679Arg). This variant is present in population databases (rs766087751, gnomAD 0.005%). This variant has not been reported in the literature in individuals affected with MCM3AP-related conditions. ClinVar contains an entry for this variant (Variation ID: 1517776). Algorithms developed to predict the effect of missense changes on protein structure and function are either unavailable or do not agree on the potential impact of this missense change (SIFT: "Deleterious"; PolyPhen-2: "Possibly Damaging"; Align-GVGD: "Class C0"). In summary, the available evidence is currently insufficient to determine the role of this variant in disease. Therefore, it has been classified as a Variant of Uncertain Significance.